The following is an entry in ClinVar:

ClinVar aggregate classification (germline): Uncertain significance (1 of 4 stars; one submission).

Conditions:
Inborn genetic diseases. Identifiers: MedGen C0950123, MeSH D030342.

gnomAD v4.1: 1 of 1,614,188 alleles (0.000062%); highest among the groups gnomAD compares: Non-Finnish European, 0.000085%; no homozygotes.

Submission:

Ambry Genetics
Classification: Uncertain significance for Inborn genetic diseases. Last evaluated: 2025-09-26. Review status: criteria provided, single submitter. Criteria: Ambry Variant Classification Scheme 2023. Collection method: clinical testing. Allele origin: germline.
Comment: The p.R1723G variant (also known as c.5167A>G), located in coding exon 20 of the FANCM gene, results from an A to G substitution at nucleotide position 5167. The arginine at codon 1723 is replaced by glycine, an amino acid with dissimilar properties. This amino acid position is conserved. In addition, this alteration is predicted to be tolerated by in silico analysis. Based on the available evidence, the clinical significance of this variant remains unclear.

NM_020937.4(FANCM):c.5167A>G (p.Arg1723Gly)

Gene: FANCM (FA complementation group M; plus strand). Cytogenetic location: 14q21.2.
Variant type: single nucleotide variant.
Coding change: c.5167A>G on transcript NM_020937.4 (MANE Select); coding-DNA position 5167, A replaced by G.
Protein change: p.Arg1723Gly; replaces arginine 1723 with glycine.
Molecular consequence: missense variant.
Genome position (GRCh38, 1-based): chr14:45,189,189, A>G. VCF-style: chr14-45189189-A-G. GRCh37 (hg19) VCF-style: chr14-45658392-A-G.
Other names: c.5089A>G, p.Arg1697Gly (NM_001308133.2); short protein forms R1723G, R1697G.
Identifiers: ClinVar variation 4619450 (VCV004619450.1).